The following is an entry in ClinVar:

ClinVar aggregate classification (germline): Conflicting classifications of pathogenicity. Review status: criteria provided, conflicting classifications (1 of 4 stars). 8 submissions from 8 submitters: Uncertain significance (1); Benign (1); Likely benign (5). 1 of the submissions does not count toward it. Last evaluated 2025-12-15.

Conditions:
Congenital heart disease (CHD). Identifiers: MedGen C0152021, MONDO:0005453. Disease mechanism: unknown.
Cardiovascular phenotype. Identifiers: MedGen CN230736.
Osteogenesis imperfecta type I (OI1). Also called: OI, TYPE I; OSTEOGENESIS IMPERFECTA TARDA; OSTEOGENESIS IMPERFECTA WITH BLUE SCLERAE; Osteogenesis imperfecta type 1; Lobstein's Disease; Classic Non-deforming Osteogenesis Imperfecta with Blue Sclerae. Identifiers: Orphanet 216796, Orphanet 666, MedGen C0023931, MONDO:0008146, OMIM 166200. Disease mechanism: loss of function.
COL1A1-related disorder. Also called: COL1A1- related disease; COL1A1-related condition.

Allele frequency attached by ClinVar (database versions not stated): gnomAD 0.00001 and 0.00002; ExAC 0.00003; TOPMed 0.00003; gnomAD exomes 0.00004.

Submissions (8):

Labcorp Genetics (formerly Invitae), Labcorp
Classification: Likely benign for Osteogenesis imperfecta type I. Last evaluated: 2025-12-15. Review status: criteria provided, single submitter. Criteria: Invitae Variant Classification Sherloc (09022015). Collection method: clinical testing. Allele origin: germline.

CeGaT Center for Human Genetics Tuebingen
Classification: Likely benign. Last evaluated: 2025-08-01. Review status: criteria provided, single submitter. Criteria: CeGaT Center For Human Genetics Tuebingen Variant Classification Criteria Version 2. Collection method: clinical testing. Allele origin: germline. Affected: yes. Observed: 1 variant allele.
Comment: COL1A1: BP4, BP7

Women's Health and Genetics/Laboratory Corporation of America, LabCorp
Classification: Benign. Last evaluated: 2025-07-29. Review status: criteria provided, single submitter. Criteria: LabCorp Variant Classification Summary - May 2015. Collection method: clinical testing. Allele origin: germline.
Comment: Variant summary: COL1A1 c.336A>T (p.Gly112Gly) alters a conserved nucleotide located close to a canonical splice site and therefore could affect mRNA splicing, leading to a significantly altered protein sequence. Consensus agreement among computation tools predict no significant impact on normal splicing. However, these predictions have yet to be confirmed by functional studies. The variant allele was found at a frequency of 6.3e-05 in 1613876 control chromosomes. The observed variant frequency is approximately 2.11 fold of the estimated maximal expected allele frequency for a pathogenic variant in COL1A1 causing Osteogenesis imperfecta type I phenotype (3e-05). To our knowledge, no occurrence of c.336A>T in individuals affected with Osteogenesis imperfecta type I and no experimental evidence demonstrating its impact on protein function have been reported. ClinVar contains an entry for this variant (Variation ID: 1203337). Based on the evidence outlined above, the variant was classified as benign.

Blueprint Genetics
Classification: Likely benign. Last evaluated: 2023-03-17. Review status: criteria provided, single submitter. Criteria: ACMG Guidelines, 2015. Collection method: clinical testing. Allele origin: germline.

Ambry Genetics
Classification: Likely benign for Cardiovascular phenotype. Last evaluated: 2022-09-26. Review status: criteria provided, single submitter. Criteria: Ambry Variant Classification Scheme 2023. Collection method: clinical testing. Allele origin: germline.

New York Genome Center
Classification: Uncertain significance for Congenital heart disease. Last evaluated: 2021-04-23. Review status: criteria provided, single submitter. Criteria: NYGC Assertion Criteria 2020. Collection method: clinical testing. Allele origin: inherited. Affected: yes. Observed: 1 heterozygote. Study: CSER-NYCKidSeq.

GeneDx
Classification: Likely benign. Last evaluated: 2020-11-02. Review status: criteria provided, single submitter. Criteria: GeneDx Variant Classification Process June 2021. Collection method: clinical testing. Allele origin: germline. Affected: yes.

PreventionGenetics, part of Exact Sciences
Classification: Likely benign for COL1A1-related condition. Last evaluated: 2019-07-23. Review status: no assertion criteria provided. Collection method: clinical testing. Allele origin: germline. Not counted in ClinVar's aggregate classification.
Comment: This variant is classified as likely benign based on ACMG/AMP sequence variant interpretation guidelines (Richards et al. 2015 PMID: 25741868, with internal and published modifications).

NM_000088.4(COL1A1):c.336A>T (p.Gly112=)

Gene: COL1A1 (collagen type I alpha 1 chain; minus strand). Cytogenetic location: 17q21.33.
Variant type: single nucleotide variant.
Coding change: c.336A>T on transcript NM_000088.4 (MANE Select); coding-DNA position 336, A replaced by T.
Protein change: p.Gly112=; no amino-acid change (glycine 112 retained).
Molecular consequence: synonymous variant.
Genome position (GRCh38, 1-based): chr17:50,199,451, T>A on the plus strand (A>T on the coding strand, the complement: COL1A1 is on the minus strand). VCF-style: chr17-50199451-T-A. GRCh37 (hg19) VCF-style: chr17-48276812-T-A.
Identifiers: ClinVar variation 1203337 (VCV001203337.26), dbSNP rs749946056, ClinGen allele CA8645739.
Genomic context (GRCh38, chr17:50,199,451, plus strand): 5'-CCCCACAGCCCAGAGTGCAACGCTTACCCTTGGGCCTCGGGGGCCAGTGTCTCCCTTGGG[T>A]CCCTGTGGGATTGGGGGAGAAGAAACAAGAGGCCAGGTTAGAGAAGGGAGGACTGTGAGG-3'
Protein context (NP_000079.2, residues 102-122): PTDQETTGVE[Gly112=]PKGDTGPRGP